The following is an entry in ClinVar:

NM_001903.5(CTNNA1):c.1291A>G (p.Ile431Val)

Gene: CTNNA1 (catenin alpha 1; plus strand). Cytogenetic location: 5q31.2.
Variant type: single nucleotide variant.
Coding change: c.1291A>G on transcript NM_001903.5 (MANE Select); coding-DNA position 1291, A replaced by G.
Protein change: p.Ile431Val; replaces isoleucine 431 with valine.
Molecular consequence: missense variant. On other transcripts: 5 prime UTR variant (5), intron variant (2).
Genome position (GRCh38, 1-based): chr5:138,887,637, A>G. VCF-style: chr5-138887637-A-G. GRCh37 (hg19) VCF-style: chr5-138223326-A-G.
Other names: c.1291A>G, p.Ile431Val (NM_001290307.3, NM_001323982.2, NM_001323983.1 and 3 more transcripts); c.982A>G, p.Ile328Val (NM_001290309.3); c.922A>G, p.Ile308Val (NM_001290310.3); c.181A>G, p.Ile61Val (NM_001290312.1, NM_001323987.1, NM_001323988.1 and 18 more transcripts); c.-217A>G (NM_001324006.1, NM_001324007.1, NM_001324008.1 and 1 more transcripts); c.-92A>G (NM_001324013.1); c.-58+12040A>G (NM_001324012.1); c.-61+12040A>G (NM_001324010.1); short protein forms I328V, I431V, I308V, I61V.
Identifiers: ClinVar variation 818819 (VCV000818819.15), dbSNP rs754174029, ClinGen allele CA3431892.

ClinVar aggregate classification (germline): Conflicting classifications of pathogenicity. Review status: criteria provided, conflicting classifications (1 of 4 stars). 4 submissions from 4 submitters: Uncertain significance (3); Likely benign (1). Last evaluated 2026-01-28.

Conditions:
Hereditary cancer-predisposing syndrome. Also called: Neoplastic Syndromes, Hereditary; Tumor predisposition; Hereditary Cancer Syndrome; Hereditary neoplastic syndrome. Identifiers: Orphanet 140162, MedGen C0027672, MeSH D009386, MONDO:0015356.
Patterned macular dystrophy 2. Identifiers: Orphanet 99001, MedGen C1837029, MONDO:0012162, OMIM 608970.

Allele frequency attached by ClinVar (database versions not stated): TOPMed below 0.00001; ExAC 0.00001; gnomAD exomes 0.00001 and 0.00002.
gnomAD v4.1: 24 of 1,609,068 alleles (0.0015%); highest among the groups gnomAD compares: Non-Finnish European, 0.002%; no homozygotes.

Submissions (4):

Labcorp Genetics (formerly Invitae), Labcorp
Classification: Uncertain significance. Last evaluated: 2026-01-28. Review status: criteria provided, single submitter. Criteria: Invitae Variant Classification Sherloc (09022015). Collection method: clinical testing. Allele origin: germline.
Comment: This sequence change replaces isoleucine, which is neutral and non-polar, with valine, which is neutral and non-polar, at codon 431 of the CTNNA1 protein (p.Ile431Val). This variant is present in population databases (rs754174029, gnomAD 0.007%). This variant has not been reported in the literature in individuals affected with CTNNA1-related conditions. ClinVar contains an entry for this variant (Variation ID: 818819). Invitae Evidence Modeling of protein sequence and biophysical properties (such as structural, functional, and spatial information, amino acid conservation, physicochemical variation, residue mobility, and thermodynamic stability) indicates that this missense variant is not expected to disrupt CTNNA1 protein function with a negative predictive value of 80%. In summary, the available evidence is currently insufficient to determine the role of this variant in disease. Therefore, it has been classified as a Variant of Uncertain Significance.

Ambry Genetics
Classification: Likely benign for Hereditary cancer-predisposing syndrome. Last evaluated: 2023-12-29. Review status: criteria provided, single submitter. Criteria: Ambry Variant Classification Scheme 2023. Collection method: clinical testing. Allele origin: germline.

Baylor Genetics
Classification: Uncertain significance for Patterned macular dystrophy 2. Last evaluated: 2023-09-11. Review status: criteria provided, single submitter. Criteria: ACMG Guidelines, 2015. Collection method: clinical testing. Allele origin: unknown.

Blueprint Genetics
Classification: Uncertain significance. Last evaluated: 2019-10-28. Review status: criteria provided, single submitter. Criteria: ACMG Guidelines, 2015. Collection method: clinical testing. Allele origin: germline.